The following is an entry in ClinVar:

ClinVar aggregate classification (germline): Conflicting classifications of pathogenicity. Review status: criteria provided, conflicting classifications (1 of 4 stars). 2 submissions from 2 submitters: Uncertain significance (1); Likely benign (1). Last evaluated 2026-08-17.

Conditions:
Inborn genetic diseases. Identifiers: MedGen C0950123, MeSH D030342.
Progressive microcephaly-seizures-cortical blindness-developmental delay syndrome. Also called: Seizures, cortical blindness, and microcephaly syndrome. Identifiers: Orphanet 477814, MedGen C5567650, MONDO:0014714, OMIM 616632.
Autosomal dominant nonsyndromic hearing loss 1. Also called: DEAFNESS, AUTOSOMAL DOMINANT 1, WITH OR WITHOUT THROMBOCYTOPENIA; KONIGSMARK SYNDROME. Identifiers: Orphanet 90635, MedGen C1852282, MONDO:0007424, OMIM 124900.

Allele frequency attached by ClinVar (database versions not stated): TOPMed 0.00001; gnomAD exomes 0.00002.
gnomAD v4.1: 33 of 1,614,242 alleles (0.002%); highest among the groups gnomAD compares: Non-Finnish European, 0.0027%; no homozygotes.

Submissions (2):

Ambry Genetics
Classification: Likely benign for Inborn genetic diseases. Last evaluated: 2026-08-17. Review status: criteria provided, single submitter. Criteria: Ambry Variant Classification Scheme 2023. Collection method: clinical testing. Allele origin: germline.

Labcorp Genetics (formerly Invitae), Labcorp
Classification: Uncertain significance for Progressive microcephaly-seizures-cortical blindness-developmental delay syndrome; Autosomal dominant nonsyndromic hearing loss 1. Last evaluated: 2025-08-29. Review status: criteria provided, single submitter. Criteria: Invitae Variant Classification Sherloc (09022015). Collection method: clinical testing. Allele origin: germline.
Comment: This sequence change replaces serine, which is neutral and polar, with asparagine, which is neutral and polar, at codon 972 of the DIAPH1 protein (p.Ser972Asn). This variant is present in population databases (no rsID available, gnomAD 0.0009%). This variant has not been reported in the literature in individuals affected with DIAPH1-related conditions. ClinVar contains an entry for this variant (Variation ID: 1925142). An algorithm developed to predict the effect of missense changes on protein structure and function outputs the following: PolyPhen-2: "Possibly Damaging". The asparagine amino acid residue is found in multiple mammalian species, which suggests that this missense change does not adversely affect protein function. In summary, the available evidence is currently insufficient to determine the role of this variant in disease. Therefore, it has been classified as a Variant of Uncertain Significance.

NM_005219.5(DIAPH1):c.2915G>A (p.Ser972Asn)

Gene: DIAPH1 (diaphanous related formin 1; minus strand). Cytogenetic location: 5q31.3.
Variant type: single nucleotide variant.
Coding change: c.2915G>A on transcript NM_005219.5 (MANE Select); coding-DNA position 2915, G replaced by A.
Protein change: p.Ser972Asn; replaces serine 972 with asparagine.
Molecular consequence: missense variant.
Genome position (GRCh38, 1-based): chr5:141,528,805, C>T on the plus strand (G>A on the coding strand, the complement: DIAPH1 is on the minus strand). VCF-style: chr5-141528805-C-T. GRCh37 (hg19) VCF-style: chr5-140908372-C-T.
Other names: c.2915G>A (NM_005219.4); c.2888G>A, p.Ser963Asn (NM_001079812.3); c.2915G>A, p.Ser972Asn (NM_001314007.2); short protein forms S972N, S963N.
Identifiers: ClinVar variation 1925142 (VCV001925142.6), dbSNP rs1296579213, ClinGen allele CA361584553.